The following is an entry in ClinVar:

NM_000077.5(CDKN2A):c.175G>C (p.Val59Leu)

Gene: CDKN2A (cyclin dependent kinase inhibitor 2A; minus strand). Cytogenetic location: 9p21.3.
Variant type: single nucleotide variant.
Coding change: c.175G>C on transcript NM_000077.5; coding-DNA position 175, G replaced by C.
Protein change: p.Val59Leu; replaces valine 59 with leucine.
Molecular consequence: missense variant (on NM_000077.6). On other transcripts: 3 prime UTR variant (1).
Genome position (GRCh38, 1-based): chr9:21,971,184, C>G on the plus strand (G>C on the coding strand, the complement: CDKN2A is on the minus strand). VCF-style: chr9-21971184-C-G. GRCh37 (hg19) VCF-style: chr9-21971183-C-G.
Other names: c.175G>C, p.Val59Leu (NM_000077.6, NM_001195132.2); c.22G>C, p.Val8Leu (NM_001363763.2); c.218G>C, p.Ser73Thr (NM_058195.4); c.*98G>C (NM_058197.5); short protein forms S73T, V59L, V8L.
Identifiers: ClinVar variation 3489663 (VCV003489663.1).

ClinVar aggregate classification (germline): Uncertain significance (1 of 4 stars; one submission).

Conditions:
Hereditary cancer-predisposing syndrome. Also called: Tumor predisposition; Neoplastic Syndromes, Hereditary; Hereditary Cancer Syndrome; Hereditary neoplastic syndrome. Identifiers: Orphanet 140162, MedGen C0027672, MeSH D009386, MONDO:0015356.

Submission:

Ambry Genetics
Classification: Uncertain significance for Hereditary cancer-predisposing syndrome. Last evaluated: 2024-08-07. Review status: criteria provided, single submitter. Criteria: Ambry Variant Classification Scheme 2023. Collection method: clinical testing. Allele origin: germline.
Comment: The p.V59L variant (also known as c.175G>C), located in coding exon 2 of the CDKN2A gene, results from a G to C substitution at nucleotide position 175. The valine at codon 59 is replaced by leucine, an amino acid with highly similar properties. Of note, this alteration is also known as c.218G>C (p.S73T)in the p14(ARF) isoform. This amino acid position is well conserved in available vertebrate species. In addition, the in silico prediction for this alteration is inconclusive. Based on the available evidence, the clinical significance of this variant remains unclear.